The following is an entry in ClinVar:

ClinVar aggregate classification (germline): Uncertain significance (1 of 4 stars; one submission).

Conditions:
Glycine encephalopathy. Also called: Nonketotic hyperglycinemia; Non-ketotic hyperglycinemia. Identifiers: Orphanet 407, MedGen C0751748, MONDO:0011612, HP:0008288.

Submission:

Labcorp Genetics (formerly Invitae), Labcorp
Classification: Uncertain significance for Glycine encephalopathy. Last evaluated: 2019-06-24. Review status: criteria provided, single submitter. Criteria: Invitae Variant Classification Sherloc (09022015). Collection method: clinical testing. Allele origin: germline.
Comment: This sequence change replaces asparagine with histidine at codon 838 of the GLDC protein (p.Asn838His). The asparagine residue is highly conserved and there is a small physicochemical difference between asparagine and histidine. This variant is not present in population databases (ExAC no frequency). This variant has not been reported in the literature in individuals with GLDC-related conditions. Algorithms developed to predict the effect of missense changes on protein structure and function are either unavailable or do not agree on the potential impact of this missense change (SIFT: "Deleterious"; PolyPhen-2: "Probably Damaging"; Align-GVGD: "Class C0"). This variant disrupts the p.Asn838 amino acid residue in GLDC. Other variant(s) that disrupt this residue have been determined to be pathogenic (PMID: 27362913). This suggests that this residue is clinically significant, and that variants that disrupt this residue are likely to be disease-causing. In summary, the available evidence is currently insufficient to determine the role of this variant in disease. Therefore, it has been classified as a Variant of Uncertain Significance.

Literature cited by the submitters: PubMed 27362913.

NM_000170.3(GLDC):c.2512A>C (p.Asn838His)

Gene: GLDC (glycine decarboxylase; minus strand). Cytogenetic location: 9p24.1.
Variant type: single nucleotide variant.
Coding change: c.2512A>C on transcript NM_000170.3 (MANE Select); coding-DNA position 2512, A replaced by C.
Protein change: p.Asn838His; replaces asparagine 838 with histidine.
Molecular consequence: missense variant.
Genome position (GRCh38, 1-based): chr9:6,550,860, T>G on the plus strand (A>C on the coding strand, the complement: GLDC is on the minus strand). VCF-style: chr9-6550860-T-G. GRCh37 (hg19) VCF-style: chr9-6550860-T-G.
Other names: short protein forms N838H.
Identifiers: ClinVar variation 939617 (VCV000939617.10), dbSNP rs1817498068, ClinGen allele CA372876178.
Genomic context (GRCh38, chr9:6,550,860, plus strand): 5'-TGCCTCTTGCACCCCTGAAAAGAATTCTGTAGTGTGTTTCTAATCGCTTGGCCATGTAGT[T>G]GGCATTTAATATCGCAGTTTCCGTGGCTTGTTTAAGACCCTTGCCTCCCATCATCTGCAA-3'
Protein context (NP_000161.2, residues 828-848): QATETAILNA[Asn838His]YMAKRLETHY